The following is an entry in ClinVar:

NM_005477.3(HCN4):c.3397G>C (p.Gly1133Arg)

Gene: HCN4 (hyperpolarization activated cyclic nucleotide gated potassium channel 4; minus strand). Cytogenetic location: 15q24.1.
Variant type: single nucleotide variant.
Coding change: c.3397G>C on transcript NM_005477.3 (MANE Select); coding-DNA position 3397, G replaced by C.
Protein change: p.Gly1133Arg; replaces glycine 1133 with arginine.
Molecular consequence: missense variant.
Genome position (GRCh38, 1-based): chr15:73,322,696, C>G on the plus strand (G>C on the coding strand, the complement: HCN4 is on the minus strand). VCF-style: chr15-73322696-C-G. GRCh37 (hg19) VCF-style: chr15-73615037-C-G.
Other names: short protein forms G1133R.
Identifiers: ClinVar variation 859517 (VCV000859517.16), dbSNP rs532186403, ClinGen allele CA7648834.

ClinVar aggregate classification (germline): Uncertain significance. Review status: criteria provided, multiple submitters, no conflicts (2 of 4 stars). 4 submissions from 4 submitters: Uncertain significance (4). Last evaluated 2026-01-13.

Conditions:
Brugada syndrome 8 (BRGDA8). Identifiers: Orphanet 130, MedGen C2751083, MONDO:0013148, OMIM 613123.
Sick sinus syndrome 2, autosomal dominant (SSS2). Also called: SICK SINUS SYNDROME 2; SICK SINUS SYNDROME 2 WITH OR WITHOUT CARDIAC NONCOMPACTION AND/OR ASCENDING AORTA DILATION; SINUS BRADYCARDIA SYNDROME, FAMILIAL, AUTOSOMAL DOMINANT; SINUS NODE DISEASE, FAMILIAL, AUTOSOMAL DOMINANT; ATRIAL FIBRILLATION WITH BRADYARRHYTHMIA. Identifiers: Orphanet 166282, MedGen C1834144, MONDO:0008102, OMIM 163800.
Epilepsy, idiopathic generalized, susceptibility to, 18. Identifiers: MedGen C5561983, MONDO:0030434, OMIM 619521.
Cardiovascular phenotype. Identifiers: MedGen CN230736.

Allele frequency attached by ClinVar (database versions not stated): TOPMed 0.00004; gnomAD 0.00007; 1000 Genomes Project 30x 0.00016; 1000 Genomes Project 0.00020.
gnomAD v4.1: 20 of 1,579,212 alleles (0.0013%); highest among the groups gnomAD compares: African/African-American, 0.024%; no homozygotes.

Submissions (4):

Labcorp Genetics (formerly Invitae), Labcorp
Classification: Uncertain significance for Brugada syndrome 8. Last evaluated: 2026-01-13. Review status: criteria provided, single submitter. Criteria: Invitae Variant Classification Sherloc (09022015). Collection method: clinical testing. Allele origin: germline.
Comment: This sequence change replaces glycine, which is neutral and non-polar, with arginine, which is basic and polar, at codon 1133 of the HCN4 protein (p.Gly1133Arg). This variant is present in population databases (rs532186403, gnomAD 0.02%). This variant has not been reported in the literature in individuals affected with HCN4-related conditions. ClinVar contains an entry for this variant (Variation ID: 859517). Invitae Evidence Modeling of protein sequence and biophysical properties (such as structural, functional, and spatial information, amino acid conservation, physicochemical variation, residue mobility, and thermodynamic stability) has been performed for this missense variant. However, the output from this modeling did not meet the statistical confidence thresholds required to predict the impact of this variant on HCN4 protein function. In summary, the available evidence is currently insufficient to determine the role of this variant in disease. Therefore, it has been classified as a Variant of Uncertain Significance.

Ambry Genetics
Classification: Uncertain significance for Cardiovascular phenotype. Last evaluated: 2025-09-25. Review status: criteria provided, single submitter. Criteria: Ambry Variant Classification Scheme 2023. Collection method: clinical testing. Allele origin: germline.

GeneDx
Classification: Uncertain significance. Last evaluated: 2024-05-13. Review status: criteria provided, single submitter. Criteria: GeneDx Variant Classification Process June 2021. Collection method: clinical testing. Allele origin: germline.
Comment: Has not been previously published as pathogenic or benign to our knowledge; In silico analysis indicates that this missense variant does not alter protein structure/function

Fulgent Genetics
Classification: Uncertain significance for Sick sinus syndrome 2, autosomal dominant; Brugada syndrome 8; Epilepsy, idiopathic generalized, susceptibility to, 18. Last evaluated: 2021-12-28. Review status: criteria provided, single submitter. Criteria: ACMG Guidelines, 2015. Collection method: clinical testing. Allele origin: unknown.